The following is an entry in ClinVar:

ClinVar aggregate classification (germline): Uncertain significance (1 of 4 stars; one submission).

Conditions:
Dilated cardiomyopathy 1JJ (CMD1JJ). Identifiers: Orphanet 154, MedGen C3808935, MONDO:0014095, OMIM 615235.

Allele frequency attached by ClinVar (database versions not stated): gnomAD exomes 0.00001.
gnomAD v4.1: 19 of 1,613,556 alleles (0.0012%); highest among the groups gnomAD compares: Non-Finnish European, 0.0015%; no homozygotes.

Submission:

Labcorp Genetics (formerly Invitae), Labcorp
Classification: Uncertain significance for Dilated cardiomyopathy 1JJ. Last evaluated: 2024-12-10. Review status: criteria provided, single submitter. Criteria: Invitae Variant Classification Sherloc (09022015). Collection method: clinical testing. Allele origin: germline.
Comment: This sequence change replaces lysine, which is basic and polar, with glutamic acid, which is acidic and polar, at codon 1408 of the LAMA4 protein (p.Lys1408Glu). This variant is not present in population databases (gnomAD no frequency). This variant has not been reported in the literature in individuals affected with LAMA4-related conditions. ClinVar contains an entry for this variant (Variation ID: 943512). Invitae Evidence Modeling of protein sequence and biophysical properties (such as structural, functional, and spatial information, amino acid conservation, physicochemical variation, residue mobility, and thermodynamic stability) indicates that this missense variant is not expected to disrupt LAMA4 protein function with a negative predictive value of 80%. In summary, the available evidence is currently insufficient to determine the role of this variant in disease. Therefore, it has been classified as a Variant of Uncertain Significance.

NM_001105206.3(LAMA4):c.4243A>G (p.Lys1415Glu)

Gene: LAMA4 (laminin subunit alpha 4; minus strand). Cytogenetic location: 6q21.
Variant type: single nucleotide variant.
Coding change: c.4243A>G on transcript NM_001105206.3 (MANE Select); coding-DNA position 4243, A replaced by G.
Protein change: p.Lys1415Glu; replaces lysine 1415 with glutamic acid.
Molecular consequence: missense variant.
Genome position (GRCh38, 1-based): chr6:112,128,966, T>C on the plus strand (A>G on the coding strand, the complement: LAMA4 is on the minus strand). VCF-style: chr6-112128966-T-C. GRCh37 (hg19) VCF-style: chr6-112450168-T-C.
Other names: c.4222A>G, p.Lys1408Glu (NM_001105207.3, NM_002290.5); short protein forms K1415E, K1408E.
Identifiers: ClinVar variation 943512 (VCV000943512.9), dbSNP rs1035020919, ClinGen allele CA144885943.
Genomic context (GRCh38, chr6:112,128,966, plus strand): 5'-CGGCATTATCTTTTACCTTTTTATTCTGACTTGCTTTAGGCTTGGATAAATTTTTTCCTT[T>C]TTTATGGAGGAGAAACAATGGTGAAGACTCAATGGGACACTCATAAAGAGAAGTGTGGAC-3'
Protein context (NP_001098676.2, residues 1405-1425): ESSPLFLLHK[Lys1415Glu]GKNLSKPKAS